The following is an entry in ClinVar:

NM_024675.4(PALB2):c.1916_1926del (p.Glu639fs)

Gene: PALB2 (partner and localizer of BRCA2; minus strand). Cytogenetic location: 16p12.2.
Variant type: Deletion.
Coding change: c.1916_1926del on transcript NM_024675.4 (MANE Select); coding-DNA positions 1916 to 1926, 11 bases deleted (AGTCAAAAATG).
Protein change: p.Glu639fs; shifts the reading frame from glutamic acid 639.
Molecular consequence: frameshift variant. On other transcripts: intron variant (1).
Genome position (GRCh38, 1-based): chr16:23,630,228-23,630,238, CATTTTTGACT deleted on the plus strand (AGTCAAAAATG on the coding strand, the reverse complement: PALB2 is on the minus strand); deleting any 11 consecutive bases within chr16:23,630,228-23,630,240 gives the same sequence; the c. name uses the placement nearest the transcript's 3' end. VCF-style (leftmost placement, unchanged base first): chr16-23630227-ACATTTTTGACT-A. GRCh37 (hg19) VCF-style: chr16-23641548-ACATTTTTGACT-A.
Other names: c.1856_1866del, p.Glu619fs (NM_001407296.1); c.1916_1926del, p.Glu639fs (NM_001407297.1, NM_001407298.1, NM_001407299.1 and 3 more transcripts); c.1031_1041del, p.Glu344fs (NM_001407304.1, NM_001407305.1, NM_001407306.1 and 5 more transcripts); c.128_138del, p.Glu43fs (NM_001407312.1, NM_001407313.1); c.49-963_49-953del (NM_001407314.1); short protein forms E344fs, E43fs, E619fs, E639fs.
Identifiers: ClinVar variation 2574089 (VCV002574089.1), dbSNP rs2506430834, ClinGen allele CA2697555723.

ClinVar aggregate classification (germline): Likely pathogenic (0 of 4 stars; one submission).

Conditions:
Familial cancer of breast. Also called: hereditary breast carcinoma; Hereditary breast cancer; BREAST CANCER, FAMILIAL. Identifiers: Orphanet 227535, MedGen C0346153, MONDO:0016419, OMIM 114480. Disease mechanism: loss of function.

Submission:

deCODE genetics, Amgen
Classification: Likely pathogenic for Familial cancer of breast. Last evaluated: 2023-07-21. Review status: no assertion criteria provided. Collection method: research. Allele origin: germline. Affected: yes. Observed: 1 variant allele.
Comment: The variant NM_024675.4:c.1916_1926del (chr16:23630227) in PALB2 was detected in 1 heterozygote out of 58K WGS Icelanders (MAF= 0,001%). This variant has not been reported in ClinVar previously. Based on ACMG criteria (PVS1, PM2) this variant classifies as likely pathogenic.